The following is an entry in ClinVar:

NM_213595.4(ISCU):c.59G>A (p.Ser20Asn)

Gene: ISCU (iron-sulfur cluster assembly enzyme; plus strand). Cytogenetic location: 12q23.3.
Variant type: single nucleotide variant.
Coding change: c.59G>A on transcript NM_213595.4 (MANE Select); coding-DNA position 59, G replaced by A.
Protein change: p.Ser20Asn; replaces serine 20 with asparagine.
Molecular consequence: missense variant. On other transcripts: 5 prime UTR variant (1), non-coding transcript variant (1).
Genome position (GRCh38, 1-based): chr12:108,562,681, G>A. VCF-style: chr12-108562681-G-A. GRCh37 (hg19) VCF-style: chr12-108956457-G-A.
Other names: c.59G>A, p.Ser20Asn (NM_001301140.1, NM_001301141.1, NM_001320042.1); c.-113G>A (NM_014301.4); short protein forms S20N.
Identifiers: ClinVar variation 1965497 (VCV001965497.5), dbSNP rs1426998960, ClinGen allele CA386428681.

ClinVar aggregate classification (germline): Uncertain significance (1 of 4 stars; one submission).

gnomAD v4.1: 3 of 1,449,828 alleles (0.00021%); highest among the groups gnomAD compares: Non-Finnish European, 0.00027%; no homozygotes.

Submission:

Labcorp Genetics (formerly Invitae), Labcorp
Classification: Uncertain significance. Last evaluated: 2025-07-07. Review status: criteria provided, single submitter. Criteria: Invitae Variant Classification Sherloc (09022015). Collection method: clinical testing. Allele origin: germline.
Comment: This sequence change replaces serine, which is neutral and polar, with asparagine, which is neutral and polar, at codon 20 of the ISCU protein (p.Ser20Asn). This variant is not present in population databases (gnomAD no frequency). This variant has not been reported in the literature in individuals affected with ISCU-related conditions. ClinVar contains an entry for this variant (Variation ID: 1965497). Experimental studies and prediction algorithms are not available or were not evaluated, and the functional significance of this variant is currently unknown. In summary, the available evidence is currently insufficient to determine the role of this variant in disease. Therefore, it has been classified as a Variant of Uncertain Significance.